The following is an entry in ClinVar:

NM_153252.5(BRWD3):c.2502C>T (p.Asp834=)

Gene: BRWD3 (bromodomain and WD repeat domain containing 3; minus strand). Cytogenetic location: Xq21.1.
Variant type: single nucleotide variant.
Coding change: c.2502C>T on transcript NM_153252.5 (MANE Select); coding-DNA position 2502, C replaced by T.
Protein change: p.Asp834=; no amino-acid change (aspartic acid 834 retained).
Molecular consequence: synonymous variant.
Genome position (GRCh38, 1-based): chrX:80,707,477, G>A on the plus strand (C>T on the coding strand, the complement: BRWD3 is on the minus strand). VCF-style: chrX-80707477-G-A. GRCh37 (hg19) VCF-style: chrX-79962976-G-A.
Identifiers: ClinVar variation 1792269 (VCV001792269.8), dbSNP rs148875743, ClinGen allele CA10462005.
Genomic context (GRCh38, chrX:80,707,477, plus strand): 5'-TTAAAACTACCTGGAAGAACTTTCACTTTGCCATTCAACAACAGGATCCTCTACCGAAGC[G>A]TCACTTGTGCCAACAGTTTCATCTTCCTACAACAAAGAGCCAGCAATTAAGATATATGGA-3'
Protein context (NP_694984.5, residues 824-844): SEEDETVGTS[Asp834=]ASVEDPVVEW

ClinVar aggregate classification (germline): Benign/Likely benign. Review status: criteria provided, multiple submitters, no conflicts (2 of 4 stars). 3 submissions from 3 submitters: Benign (1); Likely benign (2). Last evaluated 2025-12-01.

Conditions:
Inborn genetic diseases. Identifiers: MedGen C0950123, MeSH D030342.

Allele frequency attached by ClinVar (database versions not stated): ExAC 0.00007; TOPMed 0.00009; gnomAD 0.00011; gnomAD exomes 0.00020; 1000 Genomes Project 30x 0.00021; 1000 Genomes Project 0.00026; ESP Exome Variant Server 0.00028.
gnomAD v4.1: 240 of 1,209,791 alleles (0.02%); highest among the groups gnomAD compares: Non-Finnish European, 0.024%; no homozygotes.

Submissions (3):

CeGaT Center for Human Genetics Tuebingen
Classification: Likely benign. Last evaluated: 2025-12-01. Review status: criteria provided, single submitter. Criteria: CeGaT Center For Human Genetics Tuebingen Variant Classification Criteria Version 2. Collection method: clinical testing. Allele origin: germline. Affected: yes. Observed: 1 variant allele.
Comment: BRWD3: BP4, BP7, BS2

Labcorp Genetics (formerly Invitae), Labcorp
Classification: Benign. Last evaluated: 2025-04-22. Review status: criteria provided, single submitter. Criteria: Invitae Variant Classification Sherloc (09022015). Collection method: clinical testing. Allele origin: germline.

Ambry Genetics
Classification: Likely benign for Inborn genetic diseases. Last evaluated: 2018-07-23. Review status: criteria provided, single submitter. Criteria: Ambry Variant Classification Scheme 2023. Collection method: clinical testing. Allele origin: germline.